The following is an entry in ClinVar:

NM_003839.4(TNFRSF11A):c.14C>T (p.Ala5Val)

Genes: TNFRSF11A (TNF receptor superfamily member 11a; plus strand), LOC130062628 (ATAC-STARR-seq lymphoblastoid silent region 9505; plus strand). Cytogenetic location: 18q21.33.
Variant type: single nucleotide variant.
Coding change: c.14C>T on transcript NM_003839.4 (MANE Select); coding-DNA position 14, C replaced by T.
Protein change: p.Ala5Val; replaces alanine 5 with valine.
Molecular consequence: missense variant.
Genome position (GRCh38, 1-based): chr18:62,325,366, C>T. VCF-style: chr18-62325366-C-T. GRCh37 (hg19) VCF-style: chr18-59992599-C-T.
Other names: c.14C>T, p.Ala5Val (NM_001270949.2, NM_001270950.2, NM_001270951.2 and 1 more transcripts); c.14C>T (NM_003839.2); short protein forms A5V.
Identifiers: ClinVar variation 888783 (VCV000888783.11), dbSNP rs757543096, ClinGen allele CA8983626.

ClinVar aggregate classification (germline): Uncertain significance. Review status: criteria provided, multiple submitters, no conflicts (2 of 4 stars). 4 submissions from 3 submitters: Uncertain significance (4). Last evaluated 2026-01-19.

Conditions:
Autosomal recessive osteopetrosis 7. Identifiers: Orphanet 178389, MedGen C2676766, MONDO:0012859, OMIM 612301.
Paget disease of bone 2, early-onset (PDB2). Also called: Paget disease of bone 2. Identifiers: MedGen C4085251, MONDO:0011183, OMIM 602080.
Inborn genetic diseases. Identifiers: MedGen C0950123, MeSH D030342.

Allele frequency attached by ClinVar (database versions not stated): ExAC below 0.00001; gnomAD exomes 0.00005 and 0.00022; gnomAD 0.00011 and 0.00012; TOPMed 0.00013.

Submissions (4):

Labcorp Genetics (formerly Invitae), Labcorp
Classification: Uncertain significance. Last evaluated: 2026-01-19. Review status: criteria provided, single submitter. Criteria: Invitae Variant Classification Sherloc (09022015). Collection method: clinical testing. Allele origin: germline.
Comment: This sequence change replaces alanine, which is neutral and non-polar, with valine, which is neutral and non-polar, at codon 5 of the TNFRSF11A protein (p.Ala5Val). This variant is present in population databases (rs757543096, gnomAD 0.3%). This variant has not been reported in the literature in individuals affected with TNFRSF11A-related conditions. ClinVar contains an entry for this variant (Variation ID: 888783). Experimental studies and prediction algorithms are not available or were not evaluated, and the functional significance of this variant is currently unknown. In summary, the available evidence is currently insufficient to determine the role of this variant in disease. Therefore, it has been classified as a Variant of Uncertain Significance.

Ambry Genetics
Classification: Uncertain significance for Inborn genetic diseases. Last evaluated: 2024-04-20. Review status: criteria provided, single submitter. Criteria: Ambry Variant Classification Scheme 2023. Collection method: clinical testing. Allele origin: germline.

Illumina Laboratory Services, Illumina
Classification: Uncertain significance for Autosomal recessive osteopetrosis 7. Last evaluated: 2017-04-27. Review status: criteria provided, single submitter. Criteria: ICSL Variant Classification Criteria 13 December 2019. Collection method: clinical testing. Allele origin: germline.

Illumina Laboratory Services, Illumina
Classification: Uncertain significance for Paget disease of bone 2, early-onset. Last evaluated: 2017-04-27. Review status: criteria provided, single submitter. Criteria: ICSL Variant Classification Criteria 13 December 2019. Collection method: clinical testing. Allele origin: germline.